The following is an entry in ClinVar:

ClinVar aggregate classification (germline): Uncertain significance (1 of 4 stars; one submission).

Conditions:
Hereditary cancer-predisposing syndrome. Also called: Neoplastic Syndromes, Hereditary; Hereditary Cancer Syndrome; Tumor predisposition; Hereditary neoplastic syndrome. Identifiers: Orphanet 140162, MedGen C0027672, MeSH D009386, MONDO:0015356.

Submission:

Ambry Genetics
Classification: Uncertain significance for Hereditary cancer-predisposing syndrome. Last evaluated: 2025-01-20. Review status: criteria provided, single submitter. Criteria: Ambry Variant Classification Scheme 2023. Collection method: clinical testing. Allele origin: germline.
Comment: The p.A334G variant (also known as c.1001C>G), located in coding exon 8 of the POT1 gene, results from a C to G substitution at nucleotide position 1001. The alanine at codon 334 is replaced by glycine, an amino acid with similar properties. This amino acid position is conserved. In addition, this alteration is predicted to be tolerated by in silico analysis. Based on the available evidence, the clinical significance of this variant remains unclear.

NM_015450.3(POT1):c.1001C>G (p.Ala334Gly)

Gene: POT1 (protection of telomeres 1; minus strand). Cytogenetic location: 7q31.33.
Variant type: single nucleotide variant.
Coding change: c.1001C>G on transcript NM_015450.3 (MANE Select); coding-DNA position 1001, C replaced by G.
Protein change: p.Ala334Gly; replaces alanine 334 with glycine.
Molecular consequence: missense variant. On other transcripts: non-coding transcript variant (3).
Genome position (GRCh38, 1-based): chr7:124,846,947, G>C on the plus strand (C>G on the coding strand, the complement: POT1 is on the minus strand). VCF-style: chr7-124846947-G-C. GRCh37 (hg19) VCF-style: chr7-124487001-G-C.
Other names: c.608C>G, p.Ala203Gly (NM_001042594.2); short protein forms A334G, A203G.
Identifiers: ClinVar variation 3781998 (VCV003781998.1).